The following is an entry in ClinVar:

ClinVar aggregate classification (germline): Uncertain significance (1 of 4 stars; one submission).

Conditions:
Inborn genetic diseases. Identifiers: MedGen C0950123, MeSH D030342.

Allele frequency attached by ClinVar (database versions not stated): gnomAD exomes below 0.00001.
gnomAD v4.1: 2 of 1,613,974 alleles (0.00012%); highest among the groups gnomAD compares: South Asian, 0.0011%; no homozygotes.

Submission:

Ambry Genetics
Classification: Uncertain significance for Inborn genetic diseases. Last evaluated: 2026-02-23. Review status: criteria provided, single submitter. Criteria: Ambry Variant Classification Scheme 2023. Collection method: clinical testing. Allele origin: germline.
Comment: The p.Q64R variant (also known as c.191A>G), located in coding exon 3 of the DDX41 gene, results from an A to G substitution at nucleotide position 191. The glutamine at codon 64 is replaced by arginine, an amino acid with highly similar properties. This amino acid position is conserved. In addition, this alteration is predicted to be tolerated by in silico analysis. Based on the available evidence, the clinical significance of this variant remains unclear.

NM_016222.4(DDX41):c.191A>G (p.Gln64Arg)

Gene: DDX41 (DEAD-box helicase 41; minus strand). Cytogenetic location: 5q35.3.
Variant type: single nucleotide variant.
Coding change: c.191A>G on transcript NM_016222.4 (MANE Select); coding-DNA position 191, A replaced by G.
Protein change: p.Gln64Arg; replaces glutamine 64 with arginine.
Molecular consequence: missense variant. On other transcripts: 5 prime UTR variant (2).
Genome position (GRCh38, 1-based): chr5:177,516,395, T>C on the plus strand (A>G on the coding strand, the complement: DDX41 is on the minus strand). VCF-style: chr5-177516395-T-C. GRCh37 (hg19) VCF-style: chr5-176943396-T-C.
Other names: c.-188A>G (NM_001321732.2, NM_001321830.2); short protein forms Q64R.
Identifiers: ClinVar variation 2485005 (VCV002485005.3), dbSNP rs2532090262, ClinGen allele CA362377362.